The following is an entry in ClinVar:

NM_004447.6(EPS8):c.2145C>T (p.Asn715=)

Gene: EPS8 (EGFR pathway substrate 8, signaling adaptor; minus strand). Cytogenetic location: 12p12.3.
Variant type: single nucleotide variant.
Coding change: c.2145C>T on transcript NM_004447.6 (MANE Select); coding-DNA position 2145, C replaced by T.
Protein change: p.Asn715=; no amino-acid change (asparagine 715 retained).
Molecular consequence: synonymous variant. On other transcripts: non-coding transcript variant (3).
Genome position (GRCh38, 1-based): chr12:15,624,307, G>A on the plus strand (C>T on the coding strand, the complement: EPS8 is on the minus strand). VCF-style: chr12-15624307-G-A. GRCh37 (hg19) VCF-style: chr12-15777241-G-A.
Other names: c.2145C>T (NM_004447.5); c.2181C>T, p.Asn727= (NM_001413831.1); c.2145C>T, p.Asn715= (NM_001413832.1, NM_001413833.1, NM_001413834.1); c.1905C>T, p.Asn635= (NM_001413835.1, NM_001413836.1); c.1728C>T, p.Asn576= (NM_001413837.1); c.1365C>T, p.Asn455= (NM_001413838.1).
Identifiers: ClinVar variation 2851083 (VCV002851083.4), dbSNP rs139728490, ClinGen allele CA6467347.

ClinVar aggregate classification (germline): Likely benign. Review status: criteria provided, single submitter (1 of 4 stars). 2 submissions from 2 submitters: Likely benign (1). 1 of the submissions does not count toward it. Last evaluated 2023-09-08.

Conditions:
EPS8-related disorder. Also called: EPS8-related condition.

Allele frequency attached by ClinVar (database versions not stated): gnomAD 0.00001; ExAC 0.00002; gnomAD exomes 0.00002; TOPMed 0.00003; ESP Exome Variant Server 0.00008.
gnomAD v4.1: 25 of 1,613,544 alleles (0.0015%); highest among the groups gnomAD compares: East Asian, 0.0022%; no homozygotes.

Submissions (2):

Labcorp Genetics (formerly Invitae), Labcorp
Classification: Likely benign. Last evaluated: 2023-09-08. Review status: criteria provided, single submitter. Criteria: Invitae Variant Classification Sherloc (09022015). Collection method: clinical testing. Allele origin: germline.

PreventionGenetics, part of Exact Sciences
Classification: Likely benign for EPS8-related condition. Last evaluated: 2024-06-11. Review status: no assertion criteria provided. Collection method: clinical testing. Allele origin: germline. Not counted in ClinVar's aggregate classification.
Comment: This variant is classified as likely benign based on ACMG/AMP sequence variant interpretation guidelines (Richards et al. 2015 PMID: 25741868, with internal and published modifications).